The following is an entry in ClinVar:

NM_001440.4(EXTL3):c.1423A>G (p.Met475Val)

Gene: EXTL3 (exostosin like glycosyltransferase 3; plus strand). Cytogenetic location: 8p21.1.
Variant type: single nucleotide variant.
Coding change: c.1423A>G on transcript NM_001440.4 (MANE Select); coding-DNA position 1423, A replaced by G.
Protein change: p.Met475Val; replaces methionine 475 with valine.
Molecular consequence: missense variant.
Genome position (GRCh38, 1-based): chr8:28,717,482, A>G. VCF-style: chr8-28717482-A-G. GRCh37 (hg19) VCF-style: chr8-28574999-A-G.
Other names: short protein forms M475V.
Identifiers: ClinVar variation 1358705 (VCV001358705.8), dbSNP rs1801185362, ClinGen allele CA370859492.

ClinVar aggregate classification (germline): Uncertain significance (1 of 4 stars; one submission).

Allele frequency attached by ClinVar (database versions not stated): gnomAD exomes below 0.00001.
gnomAD v4.1: 1 of 1,614,194 alleles (0.000062%); highest among the groups gnomAD compares: Non-Finnish European, 0.000085%; no homozygotes.

Submission:

Labcorp Genetics (formerly Invitae), Labcorp
Classification: Uncertain significance. Last evaluated: 2021-06-13. Review status: criteria provided, single submitter. Criteria: Invitae Variant Classification Sherloc (09022015). Collection method: clinical testing. Allele origin: germline.
Comment: This sequence change replaces methionine with valine at codon 475 of the EXTL3 protein (p.Met475Val). The methionine residue is moderately conserved and there is a small physicochemical difference between methionine and valine. This variant is not present in population databases (ExAC no frequency). This variant has not been reported in the literature in individuals with EXTL3-related conditions. Algorithms developed to predict the effect of missense changes on protein structure and function output the following: SIFT: "Tolerated"; PolyPhen-2: "Benign"; Align-GVGD: "Class C0". The valine amino acid residue is found in multiple mammalian species, suggesting that this missense change does not adversely affect protein function. These predictions have not been confirmed by published functional studies and their clinical significance is uncertain. In summary, the available evidence is currently insufficient to determine the role of this variant in disease. Therefore, it has been classified as a Variant of Uncertain Significance.